The following is an entry in ClinVar:

ClinVar aggregate classification (germline): Uncertain significance (1 of 4 stars; one submission).

Conditions:
UTP4-related disorder. Also called: UTP4-related condition.

Allele frequency attached by ClinVar (database versions not stated): ExAC 0.00002; gnomAD exomes 0.00002.
gnomAD v4.1: 11 of 1,614,142 alleles (0.00068%); highest among the groups gnomAD compares: Non-Finnish European, 0.00085%; no homozygotes.

Submission:

PreventionGenetics, part of Exact Sciences
Classification: Uncertain significance for UTP4-related condition. Last evaluated: 2023-06-23. Review status: criteria provided, single submitter. Criteria: ACMG Guidelines, 2015. Collection method: clinical testing. Allele origin: germline.
Comment: The UTP4 c.238A>C variant is predicted to result in the amino acid substitution p.Asn80His. To our knowledge, this variant has not been reported in the literature. This variant is reported in 0.0035% of alleles in individuals of European (Non-Finnish) descent in gnomAD. At this time, the clinical significance of this variant is uncertain due to the absence of conclusive functional and genetic evidence.

NM_032830.3(UTP4):c.238A>C (p.Asn80His)

Gene: UTP4 (UTP4 small subunit processome component). Cytogenetic location: 16q22.1.
Variant type: single nucleotide variant.
Coding change: c.238A>C on transcript NM_032830.3 (MANE Select); coding-DNA position 238, A replaced by C.
Protein change: p.Asn80His; replaces asparagine 80 with histidine.
Molecular consequence: missense variant. On other transcripts: 5 prime UTR variant (1).
Genome position (GRCh38, 1-based): chr16:69,136,774, A>C. VCF-style: chr16-69136774-A-C. GRCh37 (hg19) VCF-style: chr16-69170677-A-C.
Other names: c.-12A>C (NM_001318391.2); short protein forms N80H.
Identifiers: ClinVar variation 2629050 (VCV002629050.1), dbSNP rs776624025, ClinGen allele CA8131970.